The following is an entry in ClinVar:

NM_176824.3(BBS7):c.1942T>G (p.Cys648Gly)

Gene: BBS7 (Bardet-Biedl syndrome 7; minus strand). Cytogenetic location: 4q27.
Variant type: single nucleotide variant.
Coding change: c.1942T>G on transcript NM_176824.3 (MANE Select); coding-DNA position 1942, T replaced by G.
Protein change: p.Cys648Gly; replaces cysteine 648 with glycine.
Molecular consequence: missense variant.
Genome position (GRCh38, 1-based): chr4:121,828,218, A>C on the plus strand (T>G on the coding strand, the complement: BBS7 is on the minus strand). VCF-style: chr4-121828218-A-C. GRCh37 (hg19) VCF-style: chr4-122749373-A-C.
Other names: c.1942T>G, p.Cys648Gly (NM_018190.4); short protein forms C648G.
Identifiers: ClinVar variation 347480 (VCV000347480.8), dbSNP rs201096775, ClinGen allele CA3064087.

ClinVar aggregate classification (germline): Uncertain significance. Review status: criteria provided, multiple submitters, no conflicts (2 of 4 stars). 3 submissions from 3 submitters: Uncertain significance (3). Last evaluated 2026-02-16.

Conditions:
BBS7-related disorder. Also called: BBS7-related condition.
Bardet-Biedl syndrome (BBS). Identifiers: Orphanet 110, MedGen C0752166, MONDO:0015229.
Bardet-Biedl syndrome 7 (BBS7). Identifiers: Orphanet 110, MedGen C1859565, MONDO:0014435, OMIM 615984.

Allele frequency attached by ClinVar (database versions not stated): gnomAD exomes 0.00001; ExAC 0.00002; gnomAD 0.00003; TOPMed 0.00003.

Submissions (3):

PreventionGenetics, part of Exact Sciences
Classification: Uncertain significance for BBS7-related condition. Last evaluated: 2026-02-16. Review status: criteria provided, single submitter. Criteria: ACMG Guidelines, 2015. Collection method: clinical testing. Allele origin: germline.
Comment: The BBS7 c.1942T>G variant is predicted to result in the amino acid substitution p.Cys648Gly. To our knowledge, this variant has not been reported in the literature. This variant is reported in 0.0026% of alleles in individuals of European (Non-Finnish) descent in gnomAD. At this time, the clinical significance of this variant is uncertain due to the absence of conclusive functional and genetic evidence.

Labcorp Genetics (formerly Invitae), Labcorp
Classification: Uncertain significance for Bardet-Biedl syndrome. Last evaluated: 2022-09-22. Review status: criteria provided, single submitter. Criteria: Invitae Variant Classification Sherloc (09022015). Collection method: clinical testing. Allele origin: germline.
Comment: This sequence change replaces cysteine, which is neutral and slightly polar, with glycine, which is neutral and non-polar, at codon 648 of the BBS7 protein (p.Cys648Gly). This variant is present in population databases (rs201096775, gnomAD 0.003%). This variant has not been reported in the literature in individuals affected with BBS7-related conditions. ClinVar contains an entry for this variant (Variation ID: 347480). Advanced modeling of protein sequence and biophysical properties (such as structural, functional, and spatial information, amino acid conservation, physicochemical variation, residue mobility, and thermodynamic stability) performed at Invitae indicates that this missense variant is not expected to disrupt BBS7 protein function. In summary, the available evidence is currently insufficient to determine the role of this variant in disease. Therefore, it has been classified as a Variant of Uncertain Significance.

Illumina Laboratory Services, Illumina
Classification: Uncertain significance for Bardet-Biedl syndrome 7. Last evaluated: 2018-01-13. Review status: criteria provided, single submitter. Criteria: ICSL Variant Classification Criteria 13 December 2019. Collection method: clinical testing. Allele origin: germline.